The following is an entry in ClinVar:

NM_001032283.3(TMPO):c.535G>A (p.Asp179Asn)

Gene: TMPO (thymopoietin; plus strand). Cytogenetic location: 12q23.1.
Variant type: single nucleotide variant.
Coding change: c.535G>A on transcript NM_001032283.3 (MANE Select); coding-DNA position 535, G replaced by A.
Protein change: p.Asp179Asn; replaces aspartic acid 179 with asparagine.
Molecular consequence: missense variant.
Genome position (GRCh38, 1-based): chr12:98,531,808, G>A. VCF-style: chr12-98531808-G-A. GRCh37 (hg19) VCF-style: chr12-98925586-G-A.
Other names: c.535G>A, p.Asp179Asn (NM_001032284.3, NM_001307975.2, NM_003276.2); short protein forms D179N.
Identifiers: ClinVar variation 3970996 (VCV003970996.1).

ClinVar aggregate classification (germline): Uncertain significance (1 of 4 stars; one submission).

gnomAD v4.1: 4 of 1,613,690 alleles (0.00025%); highest among the groups gnomAD compares: Non-Finnish European, 0.00034%; no homozygotes.

Submission:

Ambry Genetics
Classification: Uncertain significance. Last evaluated: 2025-04-20. Review status: criteria provided, single submitter. Criteria: Ambry Variant Classification Scheme 2023. Collection method: clinical testing. Allele origin: germline.
Comment: The p.D179N variant (also known as c.535G>A), located in coding exon 3 of the TMPO gene, results from a G to A substitution at nucleotide position 535. The aspartic acid at codon 179 is replaced by asparagine, an amino acid with highly similar properties. This amino acid position is conserved. In addition, this alteration is predicted to be tolerated by in silico analysis. Based on the available evidence, the clinical significance of this variant remains unclear.